The following is an entry in ClinVar:

ClinVar aggregate classification (germline): Benign (0 of 4 stars; one submission).

Conditions:
PLXND1-related disorder. Also called: PLXND1-related condition.

Allele frequency attached by ClinVar (database versions not stated): ESP Exome Variant Server 0.18207; gnomAD 0.19285; TOPMed 0.19394; 1000 Genomes Project 30x 0.22548; 1000 Genomes Project 0.23083.

Submission:

PreventionGenetics, part of Exact Sciences
Classification: Benign for PLXND1-related condition. Last evaluated: 2019-06-06. Review status: no assertion criteria provided. Collection method: clinical testing. Allele origin: germline.
Comment: This variant is classified as benign based on ACMG/AMP sequence variant interpretation guidelines (Richards et al. 2015 PMID: 25741868, with internal and published modifications).

NM_015103.3(PLXND1):c.2295G>C (p.Thr765=)

Gene: PLXND1 (plexin D1; minus strand). Cytogenetic location: 3q22.1.
Variant type: single nucleotide variant.
Coding change: c.2295G>C on transcript NM_015103.3 (MANE Select); coding-DNA position 2295, G replaced by C.
Protein change: p.Thr765=; no amino-acid change (threonine 765 retained).
Molecular consequence: synonymous variant.
Genome position (GRCh38, 1-based): chr3:129,578,380, C>G on the plus strand (G>C on the coding strand, the complement: PLXND1 is on the minus strand). VCF-style: chr3-129578380-C-G. GRCh37 (hg19) VCF-style: chr3-129297223-C-G.
Identifiers: ClinVar variation 3060582 (VCV003060582.2), dbSNP rs1110168, ClinGen allele CA2609086.